The following is an entry in ClinVar:

NM_001267550.2(TTN):c.53594del (p.Ser17865fs)

Genes: TTN-AS1 (TTN antisense RNA 1; plus strand), TTN (titin; minus strand). Cytogenetic location: 2q31.2.
Variant type: Deletion.
Coding change: c.53594del on transcript NM_001267550.2 (MANE Select); coding-DNA position 53594, one base deleted (C; older notation c.53594delC).
Protein change: p.Ser17865fs; shifts the reading frame from serine 17865.
Molecular consequence: frameshift variant.
Genome position (GRCh38, 1-based): chr2:178,605,701, G deleted on the plus strand (C on the coding strand, the reverse complement: TTN is on the minus strand). VCF-style (leftmost placement, unchanged base first): chr2-178605700-AG-A. GRCh37 (hg19) VCF-style: chr2-179470427-AG-A.
Other names: c.48671del, p.Ser16224fs (NM_001256850.1); c.26399del, p.Ser8800fs (NM_003319.4); c.45890del, p.Ser15297fs (NM_133378.4); c.26774del, p.Ser8925fs (NM_133432.3); c.26975del, p.Ser8992fs (NM_133437.4); short protein forms S16224fs, S15297fs, S8800fs, S8992fs, S17865fs, S8925fs.
Identifiers: ClinVar variation 4786461 (VCV004786461.1).
Genomic context (GRCh38, chr2:178,605,700, plus strand): 5'-CTCTTTCCAGTCAAGTGTGATAGTGGACTTTGTCCTTTCAGTGTATGTGAGCCTCTCTGG[AG>A]ATGTTGGAGGACCTTTAGCCAGAGGCAAGTGAAAATGATTAGCATGAGATAAATATTCAT-3'

ClinVar aggregate classification (germline): Likely pathogenic (1 of 4 stars; one submission).

Conditions:
Autosomal recessive limb-girdle muscular dystrophy type 2J (LGMDR10). Also called: Limb-girdle muscular dystrophy, type 2J; MUSCULAR DYSTROPHY, LIMB-GIRDLE, AUTOSOMAL RECESSIVE 10. Identifiers: Orphanet 140922, MedGen C1837342, MONDO:0012127, OMIM 608807.
Dilated cardiomyopathy 1G (CMD1G). Identifiers: Orphanet 154, MedGen C1858763, MONDO:0011400, OMIM 604145.

Submission:

Labcorp Genetics (formerly Invitae), Labcorp
Classification: Likely pathogenic for Dilated cardiomyopathy 1G; Autosomal recessive limb-girdle muscular dystrophy type 2J. Last evaluated: 2025-10-18. Review status: criteria provided, single submitter. Criteria: Invitae Variant Classification Sherloc (09022015). Collection method: clinical testing. Allele origin: germline.
Comment: This sequence change creates a premature translational stop signal (p.Ser17865Phefs*90) in the TTN gene. While this is not anticipated to result in nonsense mediated decay, it is expected to create a truncated TTN protein. This variant is not present in population databases (gnomAD no frequency). This variant has not been reported in the literature in individuals affected with TTN-related conditions. This variant is located in the A band of TTN (PMID: 25589632). Truncating variants in this region are significantly overrepresented in patients affected with dilated cardiomyopathy (PMID: 25589632). Truncating variants in this region have also been reported in individuals affected with autosomal recessive centronuclear myopathy (PMID: 23975875). In summary, the currently available evidence indicates that the variant is pathogenic, but additional data are needed to prove that conclusively. Therefore, this variant has been classified as Likely Pathogenic.

Literature cited by the submitters: PubMed 25589632; PubMed 23975875.